The following is an entry in ClinVar:

ClinVar aggregate classification (germline): Uncertain significance (1 of 4 stars; one submission).

Conditions:
Glycine encephalopathy. Also called: Non-ketotic hyperglycinemia; Nonketotic hyperglycinemia. Identifiers: Orphanet 407, MedGen C0751748, MONDO:0011612, HP:0008288.

Allele frequency attached by ClinVar (database versions not stated): gnomAD 0.00001; TOPMed 0.00001.
gnomAD v4.1: 8 of 1,612,798 alleles (0.0005%); highest among the groups gnomAD compares: African/African-American, 0.004%; no homozygotes.

Submission:

Labcorp Genetics (formerly Invitae), Labcorp
Classification: Uncertain significance for Glycine encephalopathy. Last evaluated: 2023-06-13. Review status: criteria provided, single submitter. Criteria: Invitae Variant Classification Sherloc (09022015). Collection method: clinical testing. Allele origin: germline.
Comment: In summary, the available evidence is currently insufficient to determine the role of this variant in disease. Therefore, it has been classified as a Variant of Uncertain Significance. Advanced modeling of protein sequence and biophysical properties (such as structural, functional, and spatial information, amino acid conservation, physicochemical variation, residue mobility, and thermodynamic stability) performed at Invitae indicates that this missense variant is not expected to disrupt GLDC protein function. ClinVar contains an entry for this variant (Variation ID: 1442759). This variant has not been reported in the literature in individuals affected with GLDC-related conditions. This variant is present in population databases (no rsID available, gnomAD 0.02%). This sequence change replaces methionine, which is neutral and non-polar, with isoleucine, which is neutral and non-polar, at codon 344 of the GLDC protein (p.Met344Ile).

NM_000170.3(GLDC):c.1032G>C (p.Met344Ile)

Gene: GLDC (glycine decarboxylase; minus strand). Cytogenetic location: 9p24.1.
Variant type: single nucleotide variant.
Coding change: c.1032G>C on transcript NM_000170.3 (MANE Select); coding-DNA position 1032, G replaced by C.
Protein change: p.Met344Ile; replaces methionine 344 with isoleucine.
Molecular consequence: missense variant.
Genome position (GRCh38, 1-based): chr9:6,604,614, C>G on the plus strand (G>C on the coding strand, the complement: GLDC is on the minus strand). VCF-style: chr9-6604614-C-G. GRCh37 (hg19) VCF-style: chr9-6604614-C-G.
Other names: short protein forms M344I.
Identifiers: ClinVar variation 1442759 (VCV001442759.8), dbSNP rs752892944, ClinGen allele CA188683447.